The following is an entry in ClinVar:

ClinVar aggregate classification (germline): Pathogenic. Review status: criteria provided, multiple submitters, no conflicts (2 of 4 stars). 15 submissions from 15 submitters: Pathogenic (13). 2 of the submissions do not count toward it. Last evaluated 2026-04-13.

Conditions:
NPHP1-related disorder. Also called: NPHP1-related condition; NPHP1-related disorders.
Primary ciliary dyskinesia. Also called: Ciliary dyskinesia. Identifiers: Orphanet 244, MedGen C0008780, MONDO:0016575, HP:0012265.
Inborn genetic diseases. Identifiers: MedGen C0950123, MeSH D030342.
Nephronophthisis. Also called: Juvenile Nephronophthisis. Identifiers: Orphanet 655, MedGen C0687120, MONDO:0019005, HP:0000090.
Nephronophthisis 1 (NPHP1). Also called: Nephronophthisis familial juvenile. Identifiers: Orphanet 655, Orphanet 93592, MedGen C1855681, MONDO:0009728, OMIM 256100.
Joubert syndrome with renal defect. Also called: JOUBERT SYNDROME 4. Identifiers: Orphanet 220497, MedGen C1846790, MONDO:0012308, OMIM 609583.
Senior-Loken syndrome 1 (SLSN1). Also called: JUVENILE NEPHRONOPHTHISIS WITH LEBER AMAUROSIS. Identifiers: Orphanet 3156, MedGen C4551559, MONDO:0009962, OMIM 266900.

Submissions (15):

PreventionGenetics, part of Exact Sciences
Classification: Pathogenic for NPHP1-related condition. Last evaluated: 2026-04-13. Review status: criteria provided, single submitter. Criteria: ACMG Guidelines, 2015. Collection method: clinical testing. Allele origin: germline.
Comment: The NPHP1 c.555dupA variant is predicted to result in a frameshift and premature protein termination (p.Pro186Thrfs*2). This variant has been reported in the compound heterozygous and homozygous state in individuals with nephronophthisis (Caridi et al. 2006. PubMed ID: 16762963, referred to as 548_555dupA, p.Glu183fs; Connaughton et al. 2019. PubMed ID: 30773290; Wang et al. 2023. PubMed ID: 36990420). This variant is reported in 0.0040% of alleles in individuals of African descent in gnomAD. Frameshift variants in NPHP1 are expected to be pathogenic. This variant is interpreted as pathogenic.

Department of Human Genetics, Hannover Medical School
Classification: Pathogenic for Primary Ciliary Dyskinesia. Last evaluated: 2026-04-01. Review status: criteria provided, single submitter. Criteria: ACMG Guidelines, 2015. Collection method: research. Allele origin: germline. Affected: no.
Comment: Classification performed by HerediClassify using the following criteria:['PM2_supporting: Variant occures does not occur as homozygous in gnomAD.', 'PVS1_protein_very_strong: Transcript ENST00000445609 is predicted to undergo NMD.', "PP4_moderate: The PICADAR socre of 7.0 exceeds threshold of 6 achieving 'moderate' evidence strength."]

Labcorp Genetics (formerly Invitae), Labcorp
Classification: Pathogenic for Nephronophthisis. Last evaluated: 2026-01-17. Review status: criteria provided, single submitter. Criteria: Invitae Variant Classification Sherloc (09022015). Collection method: clinical testing. Allele origin: germline.
Comment: This sequence change creates a premature translational stop signal (p.Pro186Thrfs*2) in the NPHP1 gene. It is expected to result in an absent or disrupted protein product. Loss-of-function variants in NPHP1 are known to be pathogenic (PMID: 23559409). The frequency data for this variant in the population databases is considered unreliable, as metrics indicate poor data quality at this position in the gnomAD database. This premature translational stop signal has been observed in individual(s) with nephronophthisis or a related ciliopathy (PMID: 16762963, 18076122, 23559409). In at least one individual the data is consistent with being in trans (on the opposite chromosome) from a pathogenic variant. This variant is also known as c.548_555dupA (p.Glu183fs). ClinVar contains an entry for this variant (Variation ID: 283524). Algorithms developed to predict the effect of sequence changes on RNA splicing suggest that this variant may disrupt the consensus splice site. For these reasons, this variant has been classified as Pathogenic.

Ambry Genetics
Classification: Pathogenic for Inborn genetic diseases. Last evaluated: 2025-01-28. Review status: criteria provided, single submitter. Criteria: Ambry Variant Classification Scheme 2023. Collection method: clinical testing. Allele origin: germline.
Comment: The c.555dupA (p.P186Tfs*2) alteration, located in exon 6 (coding exon 6) of the NPHP1 gene, consists of a duplication of A at position 555, causing a translational frameshift with a predicted alternate stop codon after 2 amino acids. This alteration is expected to result in loss of function by premature protein truncation or nonsense-mediated mRNA decay. Based on data from gnomAD, the AA allele has an overall frequency of 0.001% (2/282044) total alleles studied. The highest observed frequency was 0.004% (1/24920) of African alleles. This alteration has been reported in the homozygous and compound heterozygous states in multiple patients with NPHP1-related kidney disease including tubulointerstitial kidney disease, nephronophthisis, bilateral small kidneys, and end stage renal disease (Otto, 2008; Halbritter, 2013; Connaughton, 2019; Murray, 2020). Based on the available evidence, this alteration is classified as pathogenic.

GeneDx
Classification: Pathogenic. Last evaluated: 2024-07-29. Review status: criteria provided, single submitter. Criteria: GeneDx Variant Classification Process June 2021. Collection method: clinical testing. Allele origin: germline. Affected: yes.
Comment: Observed in homozygous state or with an additional NPHP1 variant in patients with nephronophthisis in the literature (PMID: 16762963, 23559409, 30773290); Frameshift variant predicted to result in protein truncation or nonsense mediated decay in a gene for which loss-of-function is a known mechanism of disease; Not observed at significant frequency in large population cohorts (gnomAD); This variant is associated with the following publications: (PMID: 16762963, 23559409, 30773290, 31589614, 36990420, 31822006, 18076122)

Fulgent Genetics
Classification: Pathogenic for Nephronophthisis 1; Senior-Loken syndrome 1; Joubert syndrome with renal defect. Last evaluated: 2024-03-04. Review status: criteria provided, single submitter. Criteria: ACMG Guidelines, 2015. Collection method: clinical testing. Allele origin: germline.

Baylor Genetics
Classification: Pathogenic for Joubert syndrome with renal defect. Last evaluated: 2024-03-02. Review status: criteria provided, single submitter. Criteria: ACMG Guidelines, 2015. Collection method: clinical testing. Allele origin: unknown.

Blueprint Genetics
Classification: Pathogenic for NPHP1-related disorders. Last evaluated: 2023-10-04. Review status: criteria provided, single submitter. Criteria: ACMG Guidelines, 2015. Collection method: clinical testing. Allele origin: germline. Affected: yes. Observed: 5 variant alleles.

Department of Pathology and Laboratory Medicine, Sinai Health System
Classification: Pathogenic for nephronophthisis 1. Last evaluated: 2022-01-18. Review status: criteria provided, single submitter. Criteria: ACMG Guidelines, 2015. Collection method: research. Allele origin: germline.

Laboratory for Molecular Medicine, Mass General Brigham Personalized Medicine
Classification: Pathogenic for Nephronophthisis. Last evaluated: 2018-08-29. Review status: criteria provided, single submitter. Criteria: LMM Criteria. Collection method: clinical testing. Allele origin: germline. Observed: 1 variant allele.
Comment: The p.Pro186ThrfsX2 variant in NPHP1 has been reported in 1 individual with neph ronopthisis in the compound heterozygous state with a full gene deletion of NPHP 1 (Caridi 2006), which is the most common pathogenic change involving this gene. It was absent from large population studies. This variant is predicted to cause a frameshift, which alters the protein?s amino acid sequence beginning at posit ion 186 and leads to a premature termination codon 2 amino acids downstream. Thi s alteration is then predicted to lead to a truncated or absent protein. In summ ary, this variant meets criteria to be classified as pathogenic for autosomal re cessive nephronopthisis based on absence from controls, predicted impact on prot ein, and a case observation. ACMG/AMP criteria applied: PVS1, PM2, PM3.

Genetic Services Laboratory, University of Chicago
Classification: Pathogenic for Nephronophthisis 1. Last evaluated: 2016-06-30. Review status: criteria provided, single submitter. Criteria: ACMG Guidelines, 2015. Collection method: clinical testing. Allele origin: germline. Affected: yes.

Eurofins Ntd Llc (ga)
Classification: Pathogenic. Last evaluated: 2015-10-05. Review status: criteria provided, single submitter. Criteria: EGL Classification Definitions. Collection method: clinical testing. Allele origin: germline. Observed: 1 variant allele, 1 heterozygote.

Neuberg Centre For Genomic Medicine, NCGM
Classification: Pathogenic for Nephronophthisis 1. Review status: criteria provided, single submitter. Criteria: ACMG Guidelines, 2015. Collection method: clinical testing. Allele origin: germline. Inheritance: Autosomal recessive inheritance. Affected: yes.
Comment: The frameshift duplication p.P186Tfs*2 in NPHP1 (NM_001128178.3) has been previously reported in affected patients(Caridi G et al). The variant has been submitted to ClinVar as Pathogenic. The p.P186Tfs*2 variant is novel (not in any individuals) in 1000 Genomes. This variant is predicted to cause loss of normal protein function through protein truncation caused a frameshift mutation. The frame shifted sequence continues 2 residues until a stop codon is reached. For these reasons, this variant has been classified as Pathogenic.

Yale Center for Mendelian Genomics, Yale University
Classification: Pathogenic for Nephronophthisis 1. Last evaluated: 2019-02-14. Review status: no assertion criteria provided. Collection method: literature only. Allele origin: germline. Affected: yes. Observed: 3 homozygotes. Study: Yale Center for Mendelian Genomics. Not counted in ClinVar's aggregate classification.

Sydney Genome Diagnostics, Children's Hospital Westmead
Classification: Pathogenic for Nephronophthisis. Last evaluated: 2017-10-10. Review status: no assertion criteria provided. Collection method: clinical testing. Allele origin: unknown. Affected: yes. Observed: 1 variant allele, 1 compound heterozygote. Not counted in ClinVar's aggregate classification.
Comment: This frameshifting variant, c.555dup, is predicted to create a premature stop codon 2 positions downstream p.(Pro186Thrfs*2), and may result in a null allele due to nonsense-mediated mRNA decay. This variant has not been reported in any population databases (i.e. ExAC, ESP or dbSNP). It has been previously reported in a patient with nephronophthisis, who was compound heterozygous with a deletion of the entire NPHP1 gene (Otto et al 2008 Hum Mutat 29:418-426). Other truncating variants downstream of this amino acid have also been reported in patients with nephronophthisis in the same paper. This variant is considered to be pathogenic according to the ACMG guidelines.

Literature cited by the submitters: PubMed 23559409 (cited by Labcorp Genetics (formerly Invitae), Labcorp and Ambry Genetics); PubMed 16762963 (cited by Labcorp Genetics (formerly Invitae), Labcorp and Laboratory for Molecular Medicine, Mass General Brigham Personalized Medicine); PubMed 18076122 (cited by Labcorp Genetics (formerly Invitae), Labcorp and Ambry Genetics); PubMed 30773290 (cited by Ambry Genetics and Yale Center for Mendelian Genomics, Yale University); PubMed 31822006 (cited by Ambry Genetics).

NM_001128178.3(NPHP1):c.555dup (p.Pro186fs)

Gene: NPHP1 (nephrocystin 1; minus strand). Cytogenetic location: 2q13.
Variant type: Duplication.
Coding change: c.555dup on transcript NM_001128178.3 (MANE Select); coding-DNA position 555, one base duplicated (A; older notation c.555dupA).
Protein change: p.Pro186fs; shifts the reading frame from proline 186.
Molecular consequence: frameshift variant.
Genome position (GRCh38, 1-based): chr2:110,168,521, T duplicated on the plus strand (A on the coding strand, the reverse complement: NPHP1 is on the minus strand); the first of 8 consecutive T bases (chr2:110,168,521-110,168,528); duplicating any one gives the same sequence. VCF-style (leftmost placement, unchanged base first): chr2-110168520-G-GT. GRCh37 (hg19) VCF-style: chr2-110926097-G-GT.
Other names: p.Pro186ThrfsX2; c.555dup, p.Pro186fs (NM_000272.5, NM_001374256.1, NM_001374257.1 and 1 more transcripts); c.369dup, p.Pro124fs (NM_001128179.3); c.555dup (NM_000272.4); c.555dupA (NM_001128178.1); short protein forms P186fs, P124fs.
Identifiers: ClinVar variation 283524 (VCV000283524.32), dbSNP rs766524637, ClinGen allele CA10604521.